The following is an entry in ClinVar:

ClinVar aggregate classification (germline): Uncertain significance (1 of 4 stars; one submission).

Conditions:
Dilated cardiomyopathy 1DD (CMD1DD). Identifiers: Orphanet 154, MedGen C2750995, MONDO:0013168, OMIM 613172.

gnomAD v4.1: 3 of 1,551,756 alleles (0.00019%); highest among the groups gnomAD compares: Non-Finnish European, 0.00017%; no homozygotes.

Submission:

Labcorp Genetics (formerly Invitae), Labcorp
Classification: Uncertain significance for Dilated cardiomyopathy 1DD. Last evaluated: 2025-10-05. Review status: criteria provided, single submitter. Criteria: Invitae Variant Classification Sherloc (09022015). Collection method: clinical testing. Allele origin: germline.
Comment: This sequence change replaces arginine, which is basic and polar, with lysine, which is basic and polar, at codon 789 of the RBM20 protein (p.Arg789Lys). This variant is not present in population databases (gnomAD no frequency). This variant has not been reported in the literature in individuals affected with RBM20-related conditions. Invitae Evidence Modeling of protein sequence and biophysical properties (such as structural, functional, and spatial information, amino acid conservation, physicochemical variation, residue mobility, and thermodynamic stability) indicates that this missense variant is not expected to disrupt RBM20 protein function with a negative predictive value of 95%. In summary, the available evidence is currently insufficient to determine the role of this variant in disease. Therefore, it has been classified as a Variant of Uncertain Significance.

NM_001134363.3(RBM20):c.2366G>A (p.Arg789Lys)

Gene: RBM20 (RNA binding motif protein 20; plus strand). Cytogenetic location: 10q25.2.
Variant type: single nucleotide variant.
Coding change: c.2366G>A on transcript NM_001134363.3 (MANE Select); coding-DNA position 2366, G replaced by A.
Protein change: p.Arg789Lys; replaces arginine 789 with lysine.
Molecular consequence: missense variant.
Genome position (GRCh38, 1-based): chr10:110,812,763, G>A. VCF-style: chr10-110812763-G-A. GRCh37 (hg19) VCF-style: chr10-112572521-G-A.
Other names: short protein forms R789K.
Identifiers: ClinVar variation 4781833 (VCV004781833.1).